The following is an entry in ClinVar:

NC_000017.11:g.1270783_1270784delinsTT

Gene: BHLHA9 (basic helix-loop-helix family member a9; plus strand). Cytogenetic location: 17p13.3.
Variant type: Indel.
Genome position: GRCh38 VCF-style: chr17-1270783-GA-TT. GRCh37 (hg19) VCF-style: chr17-1174077-GA-TT.
Other names: E74L.
Identifiers: ClinVar variation 253164 (VCV000253164.4), dbSNP rs886037856, ClinGen allele CA10586226.
Genomic context (GRCh38, chr17:1,270,783, plus strand): 5'-GGCAGGAGGCGCGCGCGGCCGGTGCGGTCCAAGGCGCGGCGCATGGCCGCCAACGTGCGG[GA>TT]GCGCAAGCGCATCCTAGACTACAACGAGGCCTTCAACGCGCTGCGCCGGGCGCTGCGGCA-3'

ClinVar aggregate classification (germline): Likely pathogenic. Review status: criteria provided, single submitter (1 of 4 stars). 2 submissions from 2 submitters: Likely pathogenic (1). 1 of the submissions does not count toward it. Last evaluated 2015-01-01.

Conditions:
Camptosynpolydactyly, complex (CCSPD). Also called: CAMPTOPOLYDACTYLY, DISORGANIZATION TYPE. Identifiers: MedGen C1843758, MONDO:0011853, OMIM 607539.

Submissions (2):

Diagnostics Division, CENTRE FOR DNA FINGERPRINTING AND DIAGNOSTICS
Classification: Likely pathogenic for Camptosynpolydactyly, complex. Last evaluated: 2015-01-01. Review status: criteria provided, single submitter. Criteria: Submitter's publication. Collection method: research. Allele origin: germline. Affected: yes. Observed: 1 homozygote.
Comment: Indel variant

OMIM
Classification: Pathogenic for CAMPTOSYNPOLYDACTYLY, COMPLEX (1 family). Last evaluated: 2022-01-11. Review status: no assertion criteria provided. Collection method: literature only. Allele origin: germline. Not counted in ClinVar's aggregate classification.

Literature cited by the submitters: PubMed 10096595 (cited by OMIM); PubMed 27041388 (cited by OMIM).